The following is an entry in ClinVar:

NM_006440.5(TXNRD2):c.313G>A (p.Gly105Ser)

Gene: TXNRD2 (thioredoxin reductase 2; minus strand). Cytogenetic location: 22q11.21.
Variant type: single nucleotide variant.
Coding change: c.313G>A on transcript NM_006440.5 (MANE Select); coding-DNA position 313, G replaced by A.
Protein change: p.Gly105Ser; replaces glycine 105 with serine.
Molecular consequence: missense variant. On other transcripts: non-coding transcript variant (1).
Genome position (GRCh38, 1-based): chr22:19,918,921, C>T on the plus strand (G>A on the coding strand, the complement: TXNRD2 is on the minus strand). VCF-style: chr22-19918921-C-T. GRCh37 (hg19) VCF-style: chr22-19906444-C-T.
Other names: c.313G>A, p.Gly105Ser (NM_001282512.3); c.310G>A, p.Gly104Ser (NM_001352300.2); c.223G>A, p.Gly75Ser (NM_001352301.2); c.25G>A, p.Gly9Ser (NM_001352302.2); c.217G>A, p.Gly73Ser (NM_001352303.2); short protein forms G104S, G105S, G9S, G73S, G75S.
Identifiers: ClinVar variation 1380486 (VCV001380486.4), dbSNP rs1429132177, ClinGen allele CA410693831.

ClinVar aggregate classification (germline): Uncertain significance (1 of 4 stars; one submission).

Conditions:
Primary dilated cardiomyopathy (DCM). Also called: Dilated Cardiomyopathy. Identifiers: Orphanet 217604, MedGen C0007193, MeSH D002311, MONDO:0005021, HP:0001644. Inheritance: Various modes of inheritance.

Allele frequency attached by ClinVar (database versions not stated): gnomAD exomes below 0.00001.
gnomAD v4.1: 2 of 1,613,000 alleles (0.00012%); highest among the groups gnomAD compares: Non-Finnish European, 0.00017%; no homozygotes.

Submission:

Labcorp Genetics (formerly Invitae), Labcorp
Classification: Uncertain significance for Primary dilated cardiomyopathy. Last evaluated: 2021-10-13. Review status: criteria provided, single submitter. Criteria: Invitae Variant Classification Sherloc (09022015). Collection method: clinical testing. Allele origin: germline.
Comment: In summary, the available evidence is currently insufficient to determine the role of this variant in disease. Therefore, it has been classified as a Variant of Uncertain Significance. Algorithms developed to predict the effect of missense changes on protein structure and function (SIFT, PolyPhen-2, Align-GVGD) all suggest that this variant is likely to be tolerated. This variant has not been reported in the literature in individuals affected with TXNRD2-related conditions. This variant is not present in population databases (ExAC no frequency). This sequence change replaces glycine with serine at codon 105 of the TXNRD2 protein (p.Gly105Ser). The glycine residue is moderately conserved and there is a small physicochemical difference between glycine and serine.